The following is an entry in ClinVar:

ClinVar aggregate classification (germline): Uncertain significance. Review status: criteria provided, multiple submitters, no conflicts (2 of 4 stars). 2 submissions from 2 submitters: Uncertain significance (2). Last evaluated 2024-11-27.

Conditions:
Hereditary cancer-predisposing syndrome. Also called: Hereditary Cancer Syndrome; Hereditary neoplastic syndrome; Neoplastic Syndromes, Hereditary; Tumor predisposition. Identifiers: Orphanet 140162, MedGen C0027672, MeSH D009386, MONDO:0015356.

Submissions (2):

Labcorp Genetics (formerly Invitae), Labcorp
Classification: Uncertain significance for Hereditary cancer-predisposing syndrome. Last evaluated: 2024-11-27. Review status: criteria provided, single submitter. Criteria: Invitae Variant Classification Sherloc (09022015). Collection method: clinical testing. Allele origin: germline.
Comment: This sequence change replaces aspartic acid, which is acidic and polar, with glycine, which is neutral and non-polar, at codon 1020 of the RAD50 protein (p.Asp1020Gly). This variant is not present in population databases (gnomAD no frequency). This missense change has been observed in individual(s) with breast cancer (PMID: 35534704). ClinVar contains an entry for this variant (Variation ID: 1062383). Invitae Evidence Modeling of protein sequence and biophysical properties (such as structural, functional, and spatial information, amino acid conservation, physicochemical variation, residue mobility, and thermodynamic stability) indicates that this missense variant is expected to disrupt RAD50 protein function with a positive predictive value of 80%. In summary, the available evidence is currently insufficient to determine the role of this variant in disease. Therefore, it has been classified as a Variant of Uncertain Significance.

Ambry Genetics
Classification: Uncertain significance for Hereditary cancer-predisposing syndrome. Last evaluated: 2024-09-20. Review status: criteria provided, single submitter. Criteria: Ambry Variant Classification Scheme 2023. Collection method: clinical testing. Allele origin: germline.
Comment: The p.D1020G variant (also known as c.3059A>G), located in coding exon 20 of the RAD50 gene, results from an A to G substitution at nucleotide position 3059. The aspartic acid at codon 1020 is replaced by glycine, an amino acid with similar properties. This amino acid position is conserved. In addition, the in silico prediction for this alteration is inconclusive. Since supporting evidence is limited at this time, the clinical significance of this alteration remains unclear.

Literature cited by the submitters: PubMed 35534704 (cited by Labcorp Genetics (formerly Invitae), Labcorp).

NM_005732.4(RAD50):c.3059A>G (p.Asp1020Gly)

Gene: RAD50 (RAD50 double strand break repair protein; plus strand). Cytogenetic location: 5q31.1.
Variant type: single nucleotide variant.
Coding change: c.3059A>G on transcript NM_005732.4 (MANE Select); coding-DNA position 3059, A replaced by G.
Protein change: p.Asp1020Gly; replaces aspartic acid 1020 with glycine.
Molecular consequence: missense variant.
Genome position (GRCh38, 1-based): chr5:132,616,025, A>G. VCF-style: chr5-132616025-A-G. GRCh37 (hg19) VCF-style: chr5-131951717-A-G.
Other names: short protein forms D1020G.
Identifiers: ClinVar variation 1062383 (VCV001062383.12), dbSNP rs1438278211, ClinGen allele CA360963460.